The following is an entry in ClinVar:

NM_024408.4(NOTCH2):c.4177C>G (p.Arg1393Gly)

Gene: NOTCH2 (notch receptor 2; minus strand). Cytogenetic location: 1p12.
Variant type: single nucleotide variant.
Coding change: c.4177C>G on transcript NM_024408.4 (MANE Select); coding-DNA position 4177, C replaced by G.
Protein change: p.Arg1393Gly; replaces arginine 1393 with glycine.
Molecular consequence: missense variant.
Genome position (GRCh38, 1-based): chr1:119,925,639, G>C on the plus strand (C>G on the coding strand, the complement: NOTCH2 is on the minus strand). VCF-style: chr1-119925639-G-C. GRCh37 (hg19) VCF-style: chr1-120468262-G-C.
Other names: short protein forms R1393G.
Identifiers: ClinVar variation 2124682 (VCV002124682.4), dbSNP rs760072707, ClinGen allele CA341890538.

ClinVar aggregate classification (germline): Uncertain significance (1 of 4 stars; one submission).

Conditions:
Hajdu-Cheney syndrome (HJCYS). Also called: ACROOSTEOLYSIS WITH OSTEOPOROSIS AND CHANGES IN SKULL AND MANDIBLE; SERPENTINE FIBULA-POLYCYSTIC KIDNEY SYNDROME; Acroosteolysis dominant type. Identifiers: Orphanet 955, MedGen C0917715, MONDO:0007057, OMIM 102500.

gnomAD v4.1: 1 of 1,613,066 alleles (0.000062%); highest among the groups gnomAD compares: Non-Finnish European, 0.000085%; no homozygotes.

Submission:

Labcorp Genetics (formerly Invitae), Labcorp
Classification: Uncertain significance for Hajdu-Cheney syndrome. Last evaluated: 2022-09-02. Review status: criteria provided, single submitter. Criteria: Invitae Variant Classification Sherloc (09022015). Collection method: clinical testing. Allele origin: germline.
Comment: In summary, the available evidence is currently insufficient to determine the role of this variant in disease. Therefore, it has been classified as a Variant of Uncertain Significance. Advanced modeling of protein sequence and biophysical properties (such as structural, functional, and spatial information, amino acid conservation, physicochemical variation, residue mobility, and thermodynamic stability) performed at Invitae indicates that this missense variant is not expected to disrupt NOTCH2 protein function. This variant has not been reported in the literature in individuals affected with NOTCH2-related conditions. This variant is present in population databases (no rsID available, gnomAD 0.0009%). This sequence change replaces arginine, which is basic and polar, with glycine, which is neutral and non-polar, at codon 1393 of the NOTCH2 protein (p.Arg1393Gly).